The following is an entry in ClinVar:

NM_004260.4(RECQL4):c.3181G>A (p.Ala1061Thr)

Gene: RECQL4 (RecQ like helicase 4; minus strand). Cytogenetic location: 8q24.3.
Variant type: single nucleotide variant.
Coding change: c.3181G>A on transcript NM_004260.4 (MANE Select); coding-DNA position 3181, G replaced by A.
Protein change: p.Ala1061Thr; replaces alanine 1061 with threonine.
Molecular consequence: missense variant. On other transcripts: non-coding transcript variant (3).
Genome position (GRCh38, 1-based): chr8:144,512,199, C>T on the plus strand (G>A on the coding strand, the complement: RECQL4 is on the minus strand). VCF-style: chr8-144512199-C-T. GRCh37 (hg19) VCF-style: chr8-145737582-C-T.
Other names: c.3052G>A, p.Ala1018Thr (NM_001413025.1); c.2044G>A, p.Ala682Thr (NM_001413027.1, NM_001413030.1, NM_001413032.1); c.2110G>A, p.Ala704Thr (NM_001413028.1, NM_001413034.1, NM_001413021.1 and 4 more transcripts); c.2830G>A, p.Ala944Thr (NM_001413029.1); c.1912G>A, p.Ala638Thr (NM_001413031.1, NM_001413038.1); c.3049G>A, p.Ala1017Thr (NM_001413033.1); c.2887G>A, p.Ala963Thr (NM_001413017.1); c.2983G>A, p.Ala995Thr (NM_001413018.1); and 9 more; short protein forms A1051T, A1086T, A682T, A995T, A1061T, A694T, A638T, A1017T.
Identifiers: ClinVar variation 4841561 (VCV004841561.1).

ClinVar aggregate classification (germline): Uncertain significance (1 of 4 stars; one submission).

Conditions:
Inborn genetic diseases. Identifiers: MedGen C0950123, MeSH D030342.

Submission:

Ambry Genetics
Classification: Uncertain significance for Inborn genetic diseases. Last evaluated: 2025-12-21. Review status: criteria provided, single submitter. Criteria: Ambry Variant Classification Scheme 2023. Collection method: clinical testing. Allele origin: germline.
Comment: The p.A1061T variant (also known as c.3181G>A), located in coding exon 18 of the RECQL4 gene, results from a G to A substitution at nucleotide position 3181. The alanine at codon 1061 is replaced by threonine, an amino acid with similar properties. This amino acid position is conserved. Based on the available evidence, the clinical significance of this variant remains unclear.